The following is an entry in ClinVar:

ClinVar aggregate classification (germline): Likely benign. Review status: criteria provided, multiple submitters, no conflicts (2 of 4 stars). 3 submissions from 3 submitters: Likely benign (2). 1 of the submissions does not count toward it. Last evaluated 2026-08-01.

Conditions:
HSD17B4-related disorder. Also called: HSD17B4-related condition; HSD17B4-related disorders.

gnomAD v4.1: 13 of 1,474,670 alleles (0.00088%); highest among the groups gnomAD compares: Admixed American, 0.011%; no homozygotes.

Submissions (3):

CeGaT Center for Human Genetics Tuebingen
Classification: Likely benign. Last evaluated: 2026-08-01. Review status: criteria provided, single submitter. Criteria: CeGaT Center For Human Genetics Tuebingen Variant Classification Criteria Version 2. Collection method: clinical testing. Allele origin: germline. Affected: yes. Observed: 1 variant allele.
Comment: HSD17B4: BP4, BP7

Blueprint Genetics
Classification: Likely benign. Last evaluated: 2024-06-19. Review status: criteria provided, single submitter. Criteria: ACMG Guidelines, 2015. Collection method: clinical testing. Allele origin: germline.

PreventionGenetics, part of Exact Sciences
Classification: Likely benign for HSD17B4-related condition. Last evaluated: 2024-07-12. Review status: no assertion criteria provided. Collection method: clinical testing. Allele origin: germline. Not counted in ClinVar's aggregate classification.
Comment: This variant is classified as likely benign based on ACMG/AMP sequence variant interpretation guidelines (Richards et al. 2015 PMID: 25741868, with internal and published modifications).

NM_000414.4(HSD17B4):c.113-2227A>G

Gene: HSD17B4 (hydroxysteroid 17-beta dehydrogenase 4; plus strand). Cytogenetic location: 5q23.1.
Variant type: single nucleotide variant.
Coding change: c.113-2227A>G on transcript NM_000414.4 (MANE Select); 2227 bases into the intron before coding-DNA position 113, A replaced by G.
Molecular consequence: intron variant. On other transcripts: synonymous variant (2), 5 prime UTR variant (2).
Genome position (GRCh38, 1-based): chr5:119,471,681, A>G. VCF-style: chr5-119471681-A-G. GRCh37 (hg19) VCF-style: chr5-118807376-A-G.
Other names: c.168A>G, p.Gln56= (NM_001199291.3); c.21A>G, p.Gln7= (NM_001292027.2); c.-188A>G (NM_001374499.1); c.-324A>G (NM_001374503.1); c.-304-2227A>G (NM_001374502.1); c.-426-2227A>G (NM_001374500.1); c.-299-2227A>G (NM_001374501.1, NM_001292028.2); c.113-2227A>G (NM_001374498.1, NM_001374497.1); and 1 more.
Identifiers: ClinVar variation 3351558 (VCV003351558.3).
Genomic context (GRCh38, chr5:119,471,681, plus strand): 5'-TTTTTATTGTTACAGCTTTCAAAATCTATGCAATAACCCTATGGAGAAGATCATTTCACA[A>G]TGCAGATTCTTTGTTTCAAGTAATTCTCTTAAGTTCTGTTTTTCCAAGTTATTTGGCATT-3'